The following is an entry in ClinVar:

NM_001414002.2(SSU72L5):c.6C>T (p.Leu2=)

Gene: SSU72L5 (SSU72 like 5; plus strand). Cytogenetic location: 11p15.4.
Variant type: single nucleotide variant.
Coding change: c.6C>T on transcript NM_001414002.2 (MANE Select); coding-DNA position 6, C replaced by T.
Protein change: p.Leu2=; no amino-acid change (leucine 2 retained).
Molecular consequence: synonymous variant.
Genome position (GRCh38, 1-based): chr11:4,233,293, C>T. VCF-style: chr11-4233293-C-T. GRCh37 (hg19) VCF-style: chr11-4254523-C-T.
Identifiers: ClinVar variation 4534229 (VCV004534229.6).

ClinVar aggregate classification (germline): Likely benign (1 of 4 stars; one submission).

Submission:

CeGaT Center for Human Genetics Tuebingen
Classification: Likely benign. Last evaluated: 2026-03-01. Review status: criteria provided, single submitter. Criteria: CeGaT Center For Human Genetics Tuebingen Variant Classification Criteria Version 2. Collection method: clinical testing. Allele origin: germline. Affected: yes. Observed: 2 variant alleles.
Comment: SSU72L5: BP4, BP7